The following is an entry in ClinVar:

ClinVar aggregate classification (germline): Likely benign (1 of 4 stars; one submission).

Conditions:
Xeroderma pigmentosum, group F (XPF). Also called: XERODERMA PIGMENTOSUM, TYPE F; Xeroderma pigmentosum, type 6; XERODERMA PIGMENTOSUM, COMPLEMENTATION GROUP F; XERODERMA PIGMENTOSUM VI; XP, GROUP F; ERCC4-Related Xeroderma Pigmentosum. Identifiers: MedGen C0268140, MONDO:0010215, OMIM 278760.

Allele frequency attached by ClinVar (database versions not stated): gnomAD 0.00026 and 0.00050; TOPMed 0.00036; gnomAD exomes 0.00171; 1000 Genomes Project 30x 0.00312; 1000 Genomes Project 0.00339.
gnomAD v4.1: 202 of 232,714 alleles (0.087%); highest among the groups gnomAD compares: East Asian, 1.2%; 2 homozygotes.

Submission:

Illumina Laboratory Services, Illumina
Classification: Likely benign for Xeroderma pigmentosum, group F. Last evaluated: 2018-01-12. Review status: criteria provided, single submitter. Criteria: ICSL Variant Classification Criteria 13 December 2019. Collection method: clinical testing. Allele origin: germline.
Comment: This variant was observed in the ICSL laboratory as part of a predisposition screen in an ostensibly healthy population. It had not been previously curated by ICSL or reported in the Human Gene Mutation Database (HGMD: prior to June 1st, 2018), and was therefore a candidate for classification through an automated scoring system. Utilizing variant allele frequency, disease prevalence and penetrance estimates, and inheritance mode, an automated score was calculated to assess if this variant is too frequent to cause the disease. Based on the score and internal cut-off values, a variant classified as likely benign is not then subjected to further curation. The score for this variant resulted in a classification of likely benign for this disease.

NM_005236.3(ERCC4):c.*1353G>A

Gene: ERCC4 (ERCC excision repair 4, endonuclease catalytic subunit; plus strand). Cytogenetic location: 16p13.12.
Variant type: single nucleotide variant.
Coding change: c.*1353G>A on transcript NM_005236.3 (MANE Select); 1353 bases downstream of the stop codon, G replaced by A.
Molecular consequence: 3 prime UTR variant.
Genome position (GRCh38, 1-based): chr16:13,949,700, G>A. VCF-style: chr16-13949700-G-A. GRCh37 (hg19) VCF-style: chr16-14043557-G-A.
Identifiers: ClinVar variation 885957 (VCV000885957.4), dbSNP rs77401662, ClinGen allele CA278487028.